The following is an entry in ClinVar:

ClinVar aggregate classification (germline): Uncertain significance. Review status: criteria provided, multiple submitters, no conflicts (2 of 4 stars). 2 submissions from 2 submitters: Uncertain significance (2). Last evaluated 2025-05-23.

Conditions:
Charcot-Marie-Tooth disease type 2R. Also called: Charcot-Marie-Tooth disease, axonal, type 2R; CHARCOT-MARIE-TOOTH NEUROPATHY, TYPE 2R; CHARCOT-MARIE-TOOTH DISEASE, AXONAL, AUTOSOMAL RECESSIVE, TYPE 2R. Identifiers: Orphanet 397968, MedGen C3809655, MONDO:0014208, OMIM 615490.

gnomAD v4.1: 3 of 1,614,242 alleles (0.00019%); highest among the groups gnomAD compares: Admixed American, 0.005%; no homozygotes.

Submissions (2):

Ambry Genetics
Classification: Uncertain significance. Last evaluated: 2025-05-23. Review status: criteria provided, single submitter. Criteria: Ambry Variant Classification Scheme 2023. Collection method: clinical testing. Allele origin: germline.

Labcorp Genetics (formerly Invitae), Labcorp
Classification: Uncertain significance for Charcot-Marie-Tooth disease type 2R. Last evaluated: 2025-04-09. Review status: criteria provided, single submitter. Criteria: Invitae Variant Classification Sherloc (09022015). Collection method: clinical testing. Allele origin: germline.
Comment: This sequence change replaces serine, which is neutral and polar, with asparagine, which is neutral and polar, at codon 278 of the TRIM2 protein (p.Ser278Asn). This variant is not present in population databases (gnomAD no frequency). This variant has not been reported in the literature in individuals affected with TRIM2-related conditions. ClinVar contains an entry for this variant (Variation ID: 651469). An algorithm developed to predict the effect of missense changes on protein structure and function (PolyPhen-2) suggests that this variant is likely to be tolerated. In summary, the available evidence is currently insufficient to determine the role of this variant in disease. Therefore, it has been classified as a Variant of Uncertain Significance.

NM_015271.5(TRIM2):c.914G>A (p.Ser305Asn)

Gene: TRIM2 (tripartite motif containing 2; plus strand). Cytogenetic location: 4q31.3.
Variant type: single nucleotide variant.
Coding change: c.914G>A on transcript NM_015271.5 (MANE Select); coding-DNA position 914, G replaced by A.
Protein change: p.Ser305Asn; replaces serine 305 with asparagine.
Molecular consequence: missense variant.
Genome position (GRCh38, 1-based): chr4:153,295,440, G>A. VCF-style: chr4-153295440-G-A. GRCh37 (hg19) VCF-style: chr4-154216592-G-A.
Other names: c.833G>A, p.Ser278Asn (NM_001130067.2, NM_001351056.2); c.887G>A, p.Ser296Asn (NM_001351054.2); c.884G>A, p.Ser295Asn (NM_001351055.2); c.458G>A, p.Ser153Asn (NM_001351057.2); c.914G>A (NM_015271.3); short protein forms S153N, S278N, S295N, S296N, S305N.
Identifiers: ClinVar variation 651469 (VCV000651469.9), dbSNP rs1579432032, ClinGen allele CA358472554.